The following is an entry in ClinVar:

ClinVar aggregate classification (germline): Uncertain significance. Review status: criteria provided, multiple submitters, no conflicts (2 of 4 stars). 2 submissions from 2 submitters: Uncertain significance (2). Last evaluated 2024-08-15.

Allele frequency attached by ClinVar (database versions not stated): gnomAD 0.00001; TOPMed below 0.00001; gnomAD exomes 0.00001; ExAC 0.00002.
gnomAD v4.1: 7 of 1,614,124 alleles (0.00043%); highest among the groups gnomAD compares: Admixed American, 0.01%; no homozygotes.

Submissions (2):

Ambry Genetics
Classification: Uncertain significance. Last evaluated: 2024-08-15. Review status: criteria provided, single submitter. Criteria: Ambry Variant Classification Scheme 2023. Collection method: clinical testing. Allele origin: germline.

Labcorp Genetics (formerly Invitae), Labcorp
Classification: Uncertain significance. Last evaluated: 2022-05-11. Review status: criteria provided, single submitter. Criteria: Invitae Variant Classification Sherloc (09022015). Collection method: clinical testing. Allele origin: germline.
Comment: In summary, the available evidence is currently insufficient to determine the role of this variant in disease. Therefore, it has been classified as a Variant of Uncertain Significance. Algorithms developed to predict the effect of missense changes on protein structure and function (SIFT, PolyPhen-2, Align-GVGD) all suggest that this variant is likely to be disruptive. This variant has not been reported in the literature in individuals affected with FAT2-related conditions. This variant is present in population databases (rs767054653, gnomAD 0.01%). This sequence change replaces phenylalanine, which is neutral and non-polar, with serine, which is neutral and polar, at codon 1763 of the FAT2 protein (p.Phe1763Ser).

NM_001447.3(FAT2):c.5288T>C (p.Phe1763Ser)

Genes: FAT2 (FAT atypical cadherin 2; minus strand), SLC36A1 (solute carrier family 36 member 1; plus strand). Cytogenetic location: 5q33.1.
Variant type: single nucleotide variant.
Coding change: c.5288T>C on transcript NM_001447.3 (MANE Select); coding-DNA position 5288, T replaced by C.
Protein change: p.Phe1763Ser; replaces phenylalanine 1763 with serine.
Molecular consequence: missense variant.
Genome position (GRCh38, 1-based): chr5:151,545,839, A>G on the plus strand (T>C on the coding strand, the complement: FAT2 is on the minus strand). VCF-style: chr5-151545839-A-G. GRCh37 (hg19) VCF-style: chr5-150925400-A-G.
Other names: c.5288T>C (NM_001447.2); short protein forms F1763S.
Identifiers: ClinVar variation 2072861 (VCV002072861.5), dbSNP rs767054653, ClinGen allele CA3521315.